The following is an entry in ClinVar:

ClinVar aggregate classification (germline): Likely pathogenic (1 of 4 stars; one submission).

Conditions:
Cardiovascular phenotype. Identifiers: MedGen CN230736.

Allele frequency attached by ClinVar (database versions not stated): gnomAD exomes below 0.00001.

Submission:

Ambry Genetics
Classification: Likely pathogenic for Cardiovascular phenotype. Last evaluated: 2024-09-04. Review status: criteria provided, single submitter. Criteria: Ambry Variant Classification Scheme 2023. Collection method: clinical testing. Allele origin: germline.
Comment: The c.55115_55116delGT variant, located in coding exon 153 of the TTN gene, results from a deletion of two nucleotides at nucleotide positions 55115 to 55116, causing a translational frameshift with a predicted alternate stop codon (p.G18372Efs*2). This exon is located in the A-band region of the N2-B isoform of the titin protein and is constitutively expressed in TTN transcripts (percent spliced in or PSI 100%). This variant is considered to be rare based on population cohorts in the Genome Aggregation Database (gnomAD). This alteration is expected to result in loss of function by premature protein truncation or nonsense-mediated mRNA decay. While truncating variants in TTN are present in 1-3% of the general population, truncating variants in the A-band are the most common cause of dilated cardiomyopathy (DCM) (Herman DS et al. N. Engl. J. Med., 2012 Feb;366:619-28; Roberts AM et al. Sci Transl Med, 2015 Jan;7:270ra6). TTN truncating variants encoded in constitutive exons (PSI >90%) have been found to be significantly associated with DCM regardless of their position in titin (Schafer S et al. Nat. Genet., 2017 01;49:46-53). As such, this alteration is classified as likely pathogenic.

NM_001267550.2(TTN):c.82310_82311del (p.Gly27437fs)

Genes: TTN (titin; minus strand), TTN-AS1 (TTN antisense RNA 1; plus strand). Cytogenetic location: 2q31.2.
Variant type: Deletion.
Coding change: c.82310_82311del on transcript NM_001267550.2 (MANE Select); coding-DNA positions 82310 to 82311, 2 bases deleted (GT; older notation c.82310_82311delGT).
Protein change: p.Gly27437fs; shifts the reading frame from glycine 27437.
Molecular consequence: frameshift variant.
Genome position (GRCh38, 1-based): chr2:178,563,821-178,563,822, AC deleted on the plus strand (GT on the coding strand, the reverse complement: TTN is on the minus strand). VCF-style (leftmost placement, unchanged base first): chr2-178563820-TAC-T. GRCh37 (hg19) VCF-style: chr2-179428547-TAC-T.
Other names: c.77387_77388del, p.Gly25796fs (NM_001256850.1); c.55115_55116del, p.Gly18372fs (NM_003319.4); c.74606_74607del, p.Gly24869fs (NM_133378.4); c.55490_55491del, p.Gly18497fs (NM_133432.3); c.55691_55692del, p.Gly18564fs (NM_133437.4); c.55115_55116delGT (NM_003319.4); short protein forms G18497fs, G18564fs, G27437fs, G18372fs, G24869fs, G25796fs.
Identifiers: ClinVar variation 1748039 (VCV001748039.4), dbSNP rs2468182036, ClinGen allele CA2580064732.